The following is an entry in ClinVar:

ClinVar aggregate classification (germline): Uncertain significance (1 of 4 stars; one submission).

Submission:

GeneDx
Classification: Uncertain significance. Last evaluated: 2025-05-14. Review status: criteria provided, single submitter. Criteria: GeneDx Variant Classification Process June 2021. Collection method: clinical testing. Allele origin: germline. Affected: yes.
Comment: Not observed at significant frequency in large population cohorts (gnomAD); In silico analysis supports that this missense variant has a deleterious effect on protein structure/function; Has not been previously published as pathogenic or benign to our knowledge

NM_005859.5(PURA):c.341T>G (p.Leu114Arg)

Gene: PURA (purine rich element binding protein A; plus strand). Cytogenetic location: 5q31.3.
Variant type: single nucleotide variant.
Coding change: c.341T>G on transcript NM_005859.5 (MANE Select); coding-DNA position 341, T replaced by G.
Protein change: p.Leu114Arg; replaces leucine 114 with arginine.
Molecular consequence: missense variant.
Genome position (GRCh38, 1-based): chr5:140,114,522, T>G. VCF-style: chr5-140114522-T-G. GRCh37 (hg19) VCF-style: chr5-139494107-T-G.
Other names: short protein forms L114R.
Identifiers: ClinVar variation 4529588 (VCV004529588.1).
Genomic context (GRCh38, chr5:140,114,522, plus strand): 5'-GCGGCAACAAGAGCCGCCTTACTCTCTCCATGTCAGTGGCCGTGGAGTTCCGCGACTACC[T>G]GGGCGACTTCATCGAGCACTACGCGCAGCTGGGCCCCAGCCAGCCGCCGGACCTGGCCCA-3'
Protein context (NP_005850.1, residues 104-124): MSVAVEFRDY[Leu114Arg]GDFIEHYAQL